The following is an entry in ClinVar:

NM_005419.4(STAT2):c.382-8T>G

Gene: STAT2 (signal transducer and activator of transcription 2; minus strand). Cytogenetic location: 12q13.3.
Variant type: single nucleotide variant.
Coding change: c.382-8T>G on transcript NM_005419.4 (MANE Select); 8 bases into the intron before coding-DNA position 382, T replaced by G.
Molecular consequence: intron variant.
Genome position (GRCh38, 1-based): chr12:56,355,540, A>C on the plus strand (T>G on the coding strand, the complement: STAT2 is on the minus strand). VCF-style: chr12-56355540-A-C. GRCh37 (hg19) VCF-style: chr12-56749324-A-C.
Other names: c.370-8T>G (NM_001385110.1, NM_001385115.1, NM_198332.2); c.382-8T>G (NM_001385114.1, NM_001385111.1, NM_001385113.1).
Identifiers: ClinVar variation 2107456 (VCV002107456.4), dbSNP rs2547268061, ClinGen allele CA2580086596.

ClinVar aggregate classification (germline): Uncertain significance (1 of 4 stars; one submission).

Conditions:
Primary immunodeficiency with post-measles-mumps-rubella vaccine viral infection. Also called: Immunodeficiency 44. Identifiers: Orphanet 431166, MedGen C4225260, MONDO:0014715, OMIM 616636.

Submission:

Labcorp Genetics (formerly Invitae), Labcorp
Classification: Uncertain significance for Primary immunodeficiency with post-measles-mumps-rubella vaccine viral infection. Last evaluated: 2022-03-06. Review status: criteria provided, single submitter. Criteria: Invitae Variant Classification Sherloc (09022015). Collection method: clinical testing. Allele origin: germline.
Comment: Algorithms developed to predict the effect of sequence changes on RNA splicing suggest that this variant may create or strengthen a splice site. In summary, the available evidence is currently insufficient to determine the role of this variant in disease. Therefore, it has been classified as a Variant of Uncertain Significance. This variant has not been reported in the literature in individuals affected with STAT2-related conditions. This sequence change falls in intron 4 of the STAT2 gene. It does not directly change the encoded amino acid sequence of the STAT2 protein. This variant is not present in population databases (gnomAD no frequency).